The following is an entry in ClinVar:

NM_000152.5(GAA):c.2308G>A (p.Gly770Ser)

Gene: GAA (alpha glucosidase; plus strand). Cytogenetic location: 17q25.3.
Variant type: single nucleotide variant.
Coding change: c.2308G>A on transcript NM_000152.5 (MANE Select); coding-DNA position 2308, G replaced by A.
Protein change: p.Gly770Ser; replaces glycine 770 with serine.
Molecular consequence: missense variant.
Genome position (GRCh38, 1-based): chr17:80,117,086, G>A. VCF-style: chr17-80117086-G-A. GRCh37 (hg19) VCF-style: chr17-78090885-G-A.
Other names: c.2308G>A, p.Gly770Ser (NM_001079803.3, NM_001079804.3, NM_001406741.1 and 1 more transcripts); short protein forms G770S.
Identifiers: ClinVar variation 3852394 (VCV003852394.1).

ClinVar aggregate classification (germline): Uncertain significance (1 of 4 stars; one submission).

Conditions:
Cardiovascular phenotype. Identifiers: MedGen CN230736.

Submission:

Ambry Genetics
Classification: Uncertain significance for Cardiovascular phenotype. Last evaluated: 2025-02-06. Review status: criteria provided, single submitter. Criteria: Ambry Variant Classification Scheme 2023. Collection method: clinical testing. Allele origin: germline.
Comment: The p.G770S variant (also known as c.2308G>A), located in coding exon 15 of the GAA gene, results from a G to A substitution at nucleotide position 2308. The glycine at codon 770 is replaced by serine, an amino acid with similar properties. This amino acid position is conserved. In addition, the in silico prediction for this alteration is inconclusive. Based on the available evidence, the clinical significance of this variant remains unclear.